The following is an entry in ClinVar:

ClinVar aggregate classification (germline): Likely benign (1 of 4 stars; one submission).

Conditions:
FHOD3-related disorder. Also called: FHOD3-related condition.

gnomAD v4.1: 13 of 1,565,334 alleles (0.00083%); highest among the groups gnomAD compares: African/African-American, 0.015%; no homozygotes.

Submission:

PreventionGenetics, part of Exact Sciences
Classification: Likely benign for FHOD3-related condition. Last evaluated: 2026-04-03. Review status: criteria provided, single submitter. Criteria: ACMG Guidelines, 2015. Collection method: clinical testing. Allele origin: germline.
Comment: This variant is classified as likely benign based on ACMG/AMP sequence variant interpretation guidelines (Richards et al. 2015 PMID: 25741868, with internal and published modifications).

NM_001281740.3(FHOD3):c.93C>T (p.Phe31=)

Genes: FHOD3 (formin homology 2 domain containing 3; plus strand), LOC130062385 (ATAC-STARR-seq lymphoblastoid silent region 9404; plus strand). Cytogenetic location: 18q12.2.
Variant type: single nucleotide variant.
Coding change: c.93C>T on transcript NM_001281740.3 (MANE Select); coding-DNA position 93, C replaced by T.
Protein change: p.Phe31=; no amino-acid change (phenylalanine 31 retained).
Molecular consequence: synonymous variant.
Genome position (GRCh38, 1-based): chr18:36,297,928, C>T. VCF-style: chr18-36297928-C-T. GRCh37 (hg19) VCF-style: chr18-33877891-C-T.
Other names: c.93C>T, p.Phe31= (NM_001281739.3, NM_025135.5).
Identifiers: ClinVar variation 4990760 (VCV004990760.1).
Genomic context (GRCh38, chr18:36,297,928, plus strand): 5'-GGACGACACGGACCCTTTCAACAGCACCAACTTCCCCGAGCCCAGCCGGCCGCCGCTGTT[C>T]ACGTTCCGCGAGGACCTCGCGCTCGGCACCCAGCTGGCGGGGGTCCATAGGCTGCTGCAG-3'
Protein context (NP_001268669.1, residues 21-41): NFPEPSRPPL[Phe31=]TFREDLALGT